The following is an entry in ClinVar:

ClinVar aggregate classification (germline): Uncertain significance (1 of 4 stars; one submission).

Allele frequency attached by ClinVar (database versions not stated): gnomAD 0.00001; gnomAD exomes 0.00001; TOPMed 0.00001; ExAC 0.00002.
gnomAD v4.1: 5 of 1,610,396 alleles (0.00031%); highest among the groups gnomAD compares: Admixed American, 0.0067%; no homozygotes.

Submission:

Labcorp Genetics (formerly Invitae), Labcorp
Classification: Uncertain significance. Last evaluated: 2022-06-17. Review status: criteria provided, single submitter. Criteria: Invitae Variant Classification Sherloc (09022015). Collection method: clinical testing. Allele origin: germline.
Comment: In summary, the available evidence is currently insufficient to determine the role of this variant in disease. Therefore, it has been classified as a Variant of Uncertain Significance. Algorithms developed to predict the effect of missense changes on protein structure and function are either unavailable or do not agree on the potential impact of this missense change (SIFT: "Tolerated"; PolyPhen-2: "Probably Damaging"; Align-GVGD: "Class C0"). This variant has not been reported in the literature in individuals affected with COX10-related conditions. This variant is present in population databases (rs763606277, gnomAD 0.003%). This sequence change replaces cysteine, which is neutral and slightly polar, with tyrosine, which is neutral and polar, at codon 429 of the COX10 protein (p.Cys429Tyr).

NM_001303.4(COX10):c.1286G>A (p.Cys429Tyr)

Gene: COX10 (cytochrome c oxidase assembly factor heme A:farnesyltransferase COX10; plus strand). Cytogenetic location: 17p12.
Variant type: single nucleotide variant.
Coding change: c.1286G>A on transcript NM_001303.4 (MANE Select); coding-DNA position 1286, G replaced by A.
Protein change: p.Cys429Tyr; replaces cysteine 429 with tyrosine.
Molecular consequence: missense variant.
Genome position (GRCh38, 1-based): chr17:14,207,167, G>A. VCF-style: chr17-14207167-G-A. GRCh37 (hg19) VCF-style: chr17-14110484-G-A.
Other names: short protein forms C429Y.
Identifiers: ClinVar variation 2192684 (VCV002192684.4), dbSNP rs763606277, ClinGen allele CA8402596.
Genomic context (GRCh38, chr17:14,207,167, plus strand): 5'-GGAGACTGTTCTTCTGCAGCCTGTGGCACCTGCCGCTGCTGCTGCTGCTCATGCTCACCT[G>A]CAAGCGGCCGAGCGGAGGCGGGGACGCAGGGCCCCCTCCCAGCTGAGAGCACTGGGACGC-3'
Protein context (NP_001294.2, residues 419-439): LPLLLLLMLT[Cys429Tyr]KRPSGGGDAG